The following is an entry in ClinVar:

ClinVar aggregate classification (germline): Uncertain significance (1 of 4 stars; one submission).

Conditions:
Emery-Dreifuss muscular dystrophy 5, autosomal dominant (EDMD5). Also called: EMERY-DREIFUSS MUSCULAR DYSTROPHY 5. Identifiers: Orphanet 261, MedGen C2751805, MONDO:0013072, OMIM 612999.

Allele frequency attached by ClinVar (database versions not stated): gnomAD exomes below 0.00001; gnomAD 0.00001; TOPMed 0.00001.
gnomAD v4.1: 2 of 1,613,950 alleles (0.00012%); highest among the groups gnomAD compares: African/African-American, 0.0027%; no homozygotes.

Submission:

Labcorp Genetics (formerly Invitae), Labcorp
Classification: Uncertain significance for Emery-Dreifuss muscular dystrophy 5, autosomal dominant. Last evaluated: 2023-10-26. Review status: criteria provided, single submitter. Criteria: Invitae Variant Classification Sherloc (09022015). Collection method: clinical testing. Allele origin: germline.
Comment: This sequence change replaces asparagine, which is neutral and polar, with serine, which is neutral and polar, at codon 3936 of the SYNE2 protein (p.Asn3936Ser). This variant is present in population databases (no rsID available, gnomAD 0.01%). This variant has not been reported in the literature in individuals affected with SYNE2-related conditions. An algorithm developed to predict the effect of missense changes on protein structure and function (PolyPhen-2) suggests that this variant is likely to be disruptive. In summary, the available evidence is currently insufficient to determine the role of this variant in disease. Therefore, it has been classified as a Variant of Uncertain Significance.

NM_182914.3(SYNE2):c.11807A>G (p.Asn3936Ser)

Gene: SYNE2 (spectrin repeat containing nuclear envelope protein 2; plus strand). Cytogenetic location: 14q23.2.
Variant type: single nucleotide variant.
Coding change: c.11807A>G on transcript NM_182914.3 (MANE Select); coding-DNA position 11807, A replaced by G.
Protein change: p.Asn3936Ser; replaces asparagine 3936 with serine.
Molecular consequence: missense variant.
Genome position (GRCh38, 1-based): chr14:64,090,879, A>G. VCF-style: chr14-64090879-A-G. GRCh37 (hg19) VCF-style: chr14-64557597-A-G.
Other names: c.11807A>G, p.Asn3936Ser (NM_015180.6); short protein forms N3936S.
Identifiers: ClinVar variation 2737950 (VCV002737950.3), dbSNP rs1397434266, ClinGen allele CA389948299.